The following is an entry in ClinVar:

ClinVar aggregate classification (germline): Conflicting classifications of pathogenicity. Review status: criteria provided, conflicting classifications (1 of 4 stars). 3 submissions from 3 submitters: Uncertain significance (2); Likely benign (1). Last evaluated 2025-08-13.

Conditions:
Primary ciliary dyskinesia. Also called: Ciliary dyskinesia. Identifiers: Orphanet 244, MedGen C0008780, MONDO:0016575, HP:0012265.
Primary ciliary dyskinesia 3. Identifiers: Orphanet 244, MedGen C1837618, MONDO:0012085, OMIM 608644.

Allele frequency attached by ClinVar (database versions not stated): ExAC 0.00002.
gnomAD v4.1: 5 of 1,613,996 alleles (0.00031%); highest among the groups gnomAD compares: East Asian, 0.011%; no homozygotes.

Submissions (3):

Myriad Genetics, Inc.
Classification: Uncertain significance for Primary ciliary dyskinesia 3. Last evaluated: 2025-08-13. Review status: criteria provided, single submitter. Criteria: Myriad Autosomal Dominant, Autosomal Recessive and X-Linked Classification Criteria (2023). Collection method: clinical testing. Allele origin: unknown.
Comment: NM_001369.2(DNAH5):c.10835T>A(I3612N) is a missense variant classified as a variant of uncertain significance in the context of primary ciliary dyskinesia, DNAH5-related. I3612N has not been observed in cases with relevant disease. Relevant functional assessments of this variant are not available in the literature. I3612N has been observed in referenced population frequency databases. In summary, there is insufficient evidence to classify NM_001369.2(DNAH5):c.10835T>A(I3612N) as pathogenic or benign. Please note: this variant was assessed in the context of healthy population screening.

Labcorp Genetics (formerly Invitae), Labcorp
Classification: Likely benign for Primary ciliary dyskinesia. Last evaluated: 2024-01-31. Review status: criteria provided, single submitter. Criteria: Invitae Variant Classification Sherloc (09022015). Collection method: clinical testing. Allele origin: germline.

Ambry Genetics
Classification: Uncertain significance for Primary ciliary dyskinesia. Last evaluated: 2022-09-07. Review status: criteria provided, single submitter. Criteria: Ambry Variant Classification Scheme 2023. Collection method: clinical testing. Allele origin: germline.

NM_001369.3(DNAH5):c.10835T>A (p.Ile3612Asn)

Gene: DNAH5 (dynein axonemal heavy chain 5; minus strand). Cytogenetic location: 5p15.2.
Variant type: single nucleotide variant.
Coding change: c.10835T>A on transcript NM_001369.3 (MANE Select); coding-DNA position 10835, T replaced by A.
Protein change: p.Ile3612Asn; replaces isoleucine 3612 with asparagine.
Molecular consequence: missense variant.
Genome position (GRCh38, 1-based): chr5:13,753,270, A>T on the plus strand (T>A on the coding strand, the complement: DNAH5 is on the minus strand). VCF-style: chr5-13753270-A-T. GRCh37 (hg19) VCF-style: chr5-13753379-A-T.
Other names: c.10835T>A (NM_001369.2); short protein forms I3612N.
Identifiers: ClinVar variation 2136479 (VCV002136479.6), dbSNP rs765033981, ClinGen allele CA3202131.